The following is an entry in ClinVar:

NM_001286577.2(C2CD3):c.3641A>G (p.Lys1214Arg)

Gene: C2CD3 (C2 domain containing 3 centriole elongation regulator; minus strand). Cytogenetic location: 11q13.4.
Variant type: single nucleotide variant.
Coding change: c.3641A>G on transcript NM_001286577.2 (MANE Select); coding-DNA position 3641, A replaced by G.
Protein change: p.Lys1214Arg; replaces lysine 1214 with arginine.
Molecular consequence: missense variant.
Genome position (GRCh38, 1-based): chr11:74,090,813, T>C on the plus strand (A>G on the coding strand, the complement: C2CD3 is on the minus strand). VCF-style: chr11-74090813-T-C. GRCh37 (hg19) VCF-style: chr11-73801858-T-C.
Other names: c.3641A>G, p.Lys1214Arg (NM_015531.6); c.3641A>G (NM_015531.4, NM_015531.5); short protein forms K1214R.
Identifiers: ClinVar variation 2170048 (VCV002170048.3), dbSNP rs533372301, ClinGen allele CA6182343.

ClinVar aggregate classification (germline): Uncertain significance. Review status: criteria provided, multiple submitters, no conflicts (2 of 4 stars). 3 submissions from 3 submitters: Uncertain significance (3). Last evaluated 2024-10-08.

Conditions:
Inborn genetic diseases. Identifiers: MedGen C0950123, MeSH D030342.

Allele frequency attached by ClinVar (database versions not stated): ExAC 0.00003; gnomAD exomes 0.00003; TOPMed 0.00014; 1000 Genomes Project 30x 0.00016; gnomAD 0.00017; 1000 Genomes Project 0.00020.
gnomAD v4.1: 73 of 1,614,120 alleles (0.0045%); highest among the groups gnomAD compares: African/African-American, 0.052%; no homozygotes.

Submissions (3):

GeneDx
Classification: Uncertain significance. Last evaluated: 2024-10-08. Review status: criteria provided, single submitter. Criteria: GeneDx Variant Classification Process June 2021. Collection method: clinical testing. Allele origin: germline. Affected: yes.
Comment: In silico analysis indicates that this missense variant does not alter protein structure/function; Has not been previously published as pathogenic or benign to our knowledge

Labcorp Genetics (formerly Invitae), Labcorp
Classification: Uncertain significance. Last evaluated: 2022-09-12. Review status: criteria provided, single submitter. Criteria: Invitae Variant Classification Sherloc (09022015). Collection method: clinical testing. Allele origin: germline.
Comment: This sequence change replaces lysine, which is basic and polar, with arginine, which is basic and polar, at codon 1214 of the C2CD3 protein (p.Lys1214Arg). This variant is present in population databases (rs533372301, gnomAD 0.07%). This variant has not been reported in the literature in individuals affected with C2CD3-related conditions. Algorithms developed to predict the effect of missense changes on protein structure and function output the following: SIFT: "Tolerated"; PolyPhen-2: "Benign"; Align-GVGD: "Class C0". The arginine amino acid residue is found in multiple mammalian species, which suggests that this missense change does not adversely affect protein function. In summary, the available evidence is currently insufficient to determine the role of this variant in disease. Therefore, it has been classified as a Variant of Uncertain Significance.

Ambry Genetics
Classification: Uncertain significance for Inborn genetic diseases. Last evaluated: 2022-03-02. Review status: criteria provided, single submitter. Criteria: Ambry Variant Classification Scheme 2023. Collection method: clinical testing. Allele origin: germline.